The following is an entry in ClinVar:

NM_001204.7(BMPR2):c.1276+4A>G

Gene: BMPR2 (bone morphogenetic protein receptor type 2; plus strand). Cytogenetic location: 2q33.2.
Variant type: single nucleotide variant.
Coding change: c.1276+4A>G on transcript NM_001204.7 (MANE Select); 4 bases into the intron after coding-DNA position 1276, A replaced by G.
Molecular consequence: intron variant.
Genome position (GRCh38, 1-based): chr2:202,532,736, A>G. VCF-style: chr2-202532736-A-G. GRCh37 (hg19) VCF-style: chr2-203397459-A-G.
Other names: c.1276+4A>G (LRG_712t1).
Identifiers: ClinVar variation 425914 (VCV000425914.3), dbSNP rs1085307330, ClinGen allele CA645293835.

ClinVar aggregate classification (germline): Likely pathogenic. Review status: reviewed by expert panel (3 of 4 stars). 2 submissions from 2 submitters: Likely pathogenic (1). 1 of the submissions does not count toward it. Last evaluated 2026-04-10.

Conditions:
Pulmonary arterial hypertension. Identifiers: Orphanet 182090, MedGen C2973725, MeSH D000081029, MONDO:0015924, HP:0002092.
Pulmonary hypertension, primary, 1 (PPH1). Also called: Pulmonary hypertension, familial primary, 1, with or without HHT. Identifiers: Orphanet 422, MedGen C4552070, MONDO:0024533, OMIM 178600.

Submissions (2):

Clingen Pulmonary Hypertension Variant Curation Expert Panel, ClinGen
Classification: Likely pathogenic for Pulmonary arterial hypertension. Last evaluated: 2026-04-10. Review status: reviewed by expert panel. Criteria: ClinGen PH ACMG Specifications BMPR2 V2.0.0. Collection method: curation. Allele origin: germline. Inheritance: Autosomal dominant inheritance.
Comment: The BMPR2 c.1276+4A>G variant is a non-canonical splice site (+4) variant located in intron 9. The variant is absent from gnomAD v.2.1.1 and v4.1.0 (PM2_supporting) and was reported in a single proband with PAH (PMID: 16429395). An in vitro exon trapping assay (including wild-type exon 9, or missense or c.1267+4A>G mutant exon 9) demonstrated exon skipping with the non-canonical splice variant (PMID: 18321866). Further, in silico prediction (SpliceAI = 0.59) indicates the variant will probably impact splicing with loss of the canonical donor site in intron 9. Exon skipping or use of a cryptic splice site would lead to nonsense-mediated decay or disrupt the region encoding the conserved intracellular kinase domain, respectively. Taken together, the data support the application of PVS1 instead of PP3 and PM1 (PMID: 37352859). No familial segregation data were available. In summary, the variant meets the criteria to be classified as likely pathogenic for pulmonary arterial hypertension based on the ACMG/AMP criteria applied, as specified by the ClinGen Pulmonary Hypertension VCEP: PVS1, PM2_supporting, (VCEP specification version 2.0, 1/30/2026).

Rare Disease Genomics Group, St George's University of London
Classification: Pathogenic for Primary pulmonary hypertension. Review status: no assertion criteria provided. Collection method: literature only. Allele origin: germline. Affected: yes. Not counted in ClinVar's aggregate classification.

Literature cited by the submitters: PubMed 16429395 (cited by Rare Disease Genomics Group, St George's University of London).